The following is an entry in ClinVar:

NM_001271874.2(AAR2):c.351G>A (p.Glu117=)

Gene: AAR2 (AAR2 splicing factor; plus strand). Cytogenetic location: 20q11.23.
Variant type: single nucleotide variant.
Coding change: c.351G>A on transcript NM_001271874.2 (MANE Select); coding-DNA position 351, G replaced by A.
Protein change: p.Glu117=; no amino-acid change (glutamic acid 117 retained).
Molecular consequence: synonymous variant.
Genome position (GRCh38, 1-based): chr20:36,240,219, G>A. VCF-style: chr20-36240219-G-A. GRCh37 (hg19) VCF-style: chr20-34828141-G-A.
Other names: c.351G>A, p.Glu117= (NM_015511.5).
Identifiers: ClinVar variation 3234323 (VCV003234323.20), dbSNP rs970697472, ClinGen allele CA314213844.

ClinVar aggregate classification (germline): Likely benign (1 of 4 stars; one submission).

Submission:

CeGaT Center for Human Genetics Tuebingen
Classification: Likely benign. Last evaluated: 2024-03-01. Review status: criteria provided, single submitter. Criteria: CeGaT Center For Human Genetics Tuebingen Variant Classification Criteria Version 2. Collection method: clinical testing. Allele origin: germline. Affected: yes. Observed: 1 variant allele.
Comment: AAR2: BP4, BP7